The following is an entry in ClinVar:

ClinVar aggregate classification (germline): Uncertain significance (1 of 4 stars; one submission).

Conditions:
Familial cold autoinflammatory syndrome 2 (FCAS2). Identifiers: Orphanet 247868, MedGen C2673198, MONDO:0012724, OMIM 611762.

Submission:

Labcorp Genetics (formerly Invitae), Labcorp
Classification: Uncertain significance for Familial cold autoinflammatory syndrome 2. Last evaluated: 2025-02-01. Review status: criteria provided, single submitter. Criteria: Invitae Variant Classification Sherloc (09022015). Collection method: clinical testing. Allele origin: germline.
Comment: This sequence change creates a premature translational stop signal (p.Gly65Argfs*12) in the NLRP12 gene. It is expected to result in an absent or disrupted protein product. However, the current clinical and genetic evidence is not sufficient to establish whether loss-of-function variants in NLRP12 cause disease. This variant is not present in population databases (gnomAD no frequency). This variant has not been reported in the literature in individuals affected with NLRP12-related conditions. Algorithms developed to predict the effect of sequence changes on RNA splicing suggest that this variant may disrupt the consensus splice site. In summary, the available evidence is currently insufficient to determine the role of this variant in disease. Therefore, it has been classified as a Variant of Uncertain Significance.

NM_144687.4(NLRP12):c.193_197del (p.Gly65fs)

Gene: NLRP12 (NLR family pyrin domain containing 12; minus strand). Cytogenetic location: 19q13.42.
Variant type: Deletion.
Coding change: c.193_197del on transcript NM_144687.4 (MANE Select); coding-DNA positions 193 to 197, 5 bases deleted (GGGCC; older notation c.193_197delGGGCC).
Protein change: p.Gly65fs; shifts the reading frame from glycine 65.
Molecular consequence: frameshift variant.
Genome position (GRCh38, 1-based): chr19:53,823,978-53,823,982, GGCCC deleted on the plus strand (GGGCC on the coding strand, the reverse complement: NLRP12 is on the minus strand); deleting any 5 consecutive bases within chr19:53,823,978-53,823,983 gives the same sequence; the c. name uses the placement nearest the transcript's 3' end. VCF-style (leftmost placement, unchanged base first): chr19-53823977-TGGCCC-T. GRCh37 (hg19) VCF-style: chr19-54327231-TGGCCC-T.
Other names: c.193_197del, p.Gly65fs (NM_001277126.2, NM_001277129.1); short protein forms G65fs.
Identifiers: ClinVar variation 3729878 (VCV003729878.2).
Genomic context (GRCh38, chr19:53,823,977, plus strand): 5'-CCACAGGTCCTTCCTGTTTATCCGCTCAAAGGTGCTGAGAGCCAACCTCCAGGCCTCCTC[TGGCCC>T]GAAGTGGGTGATGAGCAGCTGGGCCATTTCCAGGGGACCGGCCTTCTCCATGCTTCCCCA-3'